The following is an entry in ClinVar:

ClinVar aggregate classification (germline): Pathogenic. Review status: criteria provided, multiple submitters, no conflicts (2 of 4 stars). 9 submissions from 9 submitters: Pathogenic (5). 4 of the submissions do not count toward it. Last evaluated 2025-12-08.

Conditions:
TREM2-related disorder. Also called: TREM2-related condition.
Polycystic lipomembranous osteodysplasia with sclerosing leukoencephaly. Also called: NASU-HAKOLA DISEASE; BRAIN-BONE-FAT DISEASE; Polycystic Lipomembranous Osteodysplasia with Sclerosing Leukoencephalopathy (PLOSL); DEMENTIA, PREFRONTAL, WITH BONE CYSTS; DEMENTIA, PROGRESSIVE, WITH LIPOMEMBRANOUS POLYCYSTIC OSTEODYSPLASIA; PRESENILE DEMENTIA WITH BONE CYSTS. Identifiers: Orphanet 2770, MedGen C1857316, MONDO:0009092.
Polycystic lipomembranous osteodysplasia with sclerosing leukoencephalopathy 2. Also called: TREM2-Related Polycystic Lipomembranous Osteodysplasia with Sclerosing Leukoencephalopathy. Identifiers: MedGen C4748657, MONDO:0020750, OMIM 618193.
Inborn genetic diseases. Identifiers: MedGen C0950123, MeSH D030342.
Polycystic lipomembranous osteodysplasia with sclerosing leukoencephalopathy 1 (PLOSL1). Also called: TYROBP-Related Polycystic Lipomembranous Osteodysplasia with Sclerosing Leukoencephalopathy. Identifiers: Orphanet 2770, MedGen C4721893, MONDO:0020749, OMIM 221770.

Allele frequency attached by ClinVar (database versions not stated): gnomAD 0.00002; TOPMed 0.00002; gnomAD exomes 0.00002; ExAC 0.00001.
gnomAD v4.1: 58 of 1,613,982 alleles (0.0036%); highest among the groups gnomAD compares: Non-Finnish European, 0.0044%; no homozygotes.

Submissions (9):

Labcorp Genetics (formerly Invitae), Labcorp
Classification: Pathogenic. Last evaluated: 2025-12-08. Review status: criteria provided, single submitter. Criteria: Invitae Variant Classification Sherloc (09022015). Collection method: clinical testing. Allele origin: germline.
Comment: This sequence change creates a premature translational stop signal (p.Gln33*) in the TREM2 gene. It is expected to result in an absent or disrupted protein product. Loss-of-function variants in TREM2 are known to be pathogenic (PMID: 12080485, 12754369, 12883936, 12925681, 23318515, 23582655). This variant is present in population databases (rs104894002, gnomAD 0.006%). This premature translational stop signal has been observed in individuals with autosomal recessive TREM2-related conditions (PMID: 12754369, 23318515). It has also been observed to segregate with disease in related individuals. ClinVar contains an entry for this variant (Variation ID: 5219). Algorithms developed to predict the effect of variants on gene product structure and function are not available or were not evaluated for this variant. Experimental studies have shown that this premature translational stop signal affects TREM2 function (PMID: 25615530). Algorithms developed to predict the effect of sequence changes on RNA splicing suggest that this variant may disrupt the consensus splice site. For these reasons, this variant has been classified as Pathogenic.

Clinical Omics and Informatics (COIN) Unit, Neuroscience Institute, University Of Cape Town
Classification: Pathogenic for Polycystic lipomembranous osteodysplasia with sclerosing leukoencephaly. Last evaluated: 2025-02-10. Review status: criteria provided, single submitter. Criteria: ACMG Guidelines, 2015. Collection method: research. Allele origin: germline. Inheritance: Autosomal recessive inheritance. Affected: yes. Observed: 1 variant allele, 1 homozygote.
Comment: The highest population allele frequency in gnomAD V4.0 is 0.00008003 (0.008%; 5/62478 in Remaining population). There are no homozygous observations. PM1_Met: variant occurs in exon 2 (highly conserved IgV domain) together with other pathogenic variants (PMID:36813542). PM3 Met: max 1 point awarded for homozygous observations of variant in probands with consistent phenotype for disorder. PP1 Met: 1 informative meiosis in 1 family (PMID: 12754369). PS3_Supporting: functional studies provide supportive evidence that this variant has a damaging effect on the gene or gene product (PMID:25615530). PS4_Supporting: Homozygous observations of variant in 2 probands with consistent phenotype for disorder (PMID: 29142083, 23318515). PVS1_Strong: null variant (nonsense or frameshift variant) predicted to undergo NMD, exon is present in biologically-relevant transcript) in a gene where LOF is a known mechanism of disease (PMID: 12080485, 12754369). Sequencing funded by the International Centre for Genomic Medicine in Neuromuscular Diseases (ICGNMD).

PreventionGenetics, part of Exact Sciences
Classification: Pathogenic for TREM2-related condition. Last evaluated: 2025-01-03. Review status: criteria provided, single submitter. Criteria: ACMG Guidelines, 2015. Collection method: clinical testing. Allele origin: germline.
Comment: The TREM2 c.97C>T variant is predicted to result in premature protein termination (p.Gln33*). This variant was reported in the homozygous state in two affected siblings with polycystic lipomembranous osteodysplasia with sclerosing leukoencephalopathy 2 (PLOSL, Soragna et al. 2003. PubMed ID: 12754369). It was also reported in the homozygous state in an unrelated individual with an early-onset frontotemporal dementia-like syndrome without any bone-associated phenotypes (Guerreiro et al. 2013. PubMed ID: 23318515). In the heterozygous state, it has been reported to be a possible risk factor for the development of frontotemporal dementia (FTD) or Alzheimer disease (Guerreiro et al. 2013. PubMed ID: 23150934; Borroni et al. 2014. PubMed ID: 24139279; Patel et al. 2019. PubMed ID: 30924900). This variant is reported in 0.0045% of alleles in individuals of European (Non-Finnish) descent in gnomAD. In summary, this variant is interpreted as pathogenic for autosomal recessive PLOSL or FTD-like phenotypes.

Ambry Genetics
Classification: Pathogenic for Inborn genetic diseases. Last evaluated: 2022-05-03. Review status: criteria provided, single submitter. Criteria: Ambry Variant Classification Scheme 2023. Collection method: clinical testing. Allele origin: germline.
Comment: The c.97C>T (p.Q33*) alteration, located in exon 2 (coding exon 2) of the TREM2 gene, consists of a C to T substitution at nucleotide position 97. This changes the amino acid from a glutamine (Q) to a stop codon at amino acid position 33. This alteration is expected to result in loss of function by premature protein truncation or nonsense-mediated mRNA decay. Based on data from gnomAD, the T allele has an overall frequency of 0.002% (5/248072) total alleles studied. The highest observed frequency was 0.005% (5/110958) of European (non-Finnish) alleles. This alteration has been detected in the homozygous state in multiple unrelated individuals with TREM2-related polycystic lipomembranous osteodysplasia with sclerosing leukoencephalopathy. It has also been found to cosegregate among affected homozygous siblings (Coomans, 2018; Guerreiro, 2013; Bock, 2013; Soragna, 2003). Based on the available evidence, this alteration is classified as pathogenic.

SIB Swiss Institute of Bioinformatics
Classification: Pathogenic for Polycystic lipomembranous osteodysplasia with sclerosing leukoencephalopathy 2. Last evaluated: 2019-10-17. Review status: criteria provided, single submitter. Criteria: ACMG Guidelines, 2015. Collection method: curation. Allele origin: unknown.
Comment: This variant is interpreted as Pathogenic for Polycystic lipomembranous osteodysplasia with sclerosing leukoencephalopathy 2 , autosomal recessive. The following ACMG Tag(s) were applied: PM2, PP1, PM3, PS3, PVS1-Strong.

Genome Diagnostics Laboratory, Amsterdam University Medical Center
Classification: Pathogenic for Polycystic lipomembranous osteodysplasia with sclerosing leukoencephalopathy 1. Last evaluated: 2016-03-14. Review status: no assertion criteria provided. Criteria: ACGS Guidelines, 2013. Collection method: clinical testing. Allele origin: germline. Affected: yes. Study: VKGL Data-share Consensus. Not counted in ClinVar's aggregate classification.

OMIM
Classification: Pathogenic for POLYCYSTIC LIPOMEMBRANOUS OSTEODYSPLASIA WITH SCLEROSING LEUKOENCEPHALOPATHY 2. Last evaluated: 2005-05-10. Review status: no assertion criteria provided. Collection method: literature only. Allele origin: germline. Not counted in ClinVar's aggregate classification.

Diagnostic Laboratory, Department of Genetics, University Medical Center Groningen
Classification: Pathogenic for Polycystic lipomembranous osteodysplasia with sclerosing leukoencephalopathy 1. Review status: no assertion criteria provided. Collection method: clinical testing. Allele origin: germline. Affected: yes. Study: VKGL Data-share Consensus. Not counted in ClinVar's aggregate classification.

GeneReviews
No classification provided. Condition: Polycystic lipomembranous osteodysplasia with sclerosing leukoencephalopathy 1. Review status: no classification provided. Collection method: literature only. Allele origin: germline. Affected: yes. Not counted in ClinVar's aggregate classification.
Comment: This variant has been reported to cause a PLOSL with typical bone pathology on radiologic examination but also a frontotemporal dementia-like syndrome without bone pathology on radiographs.

Literature cited by the submitters: PubMed 12080485 (cited by Labcorp Genetics (formerly Invitae), Labcorp and Clinical Omics and Informatics (COIN) Unit, Neuroscience Institute, University Of Cape Town); PubMed 12754369 (cited by 4 submitters); PubMed 12883936 (cited by Labcorp Genetics (formerly Invitae), Labcorp); PubMed 12925681 (cited by Labcorp Genetics (formerly Invitae), Labcorp); PubMed 23318515 (cited by 3 submitters); PubMed 23582655 (cited by Labcorp Genetics (formerly Invitae), Labcorp); PubMed 25615530 (cited by 3 submitters); PubMed 3681354 (cited by Clinical Omics and Informatics (COIN) Unit, Neuroscience Institute, University Of Cape Town); PubMed 29142083 (cited by Clinical Omics and Informatics (COIN) Unit, Neuroscience Institute, University Of Cape Town and SIB Swiss Institute of Bioinformatics); PubMed 23399524 (cited by Ambry Genetics and SIB Swiss Institute of Bioinformatics); PubMed 30242731 (cited by Ambry Genetics); PubMed 15883308 (cited by SIB Swiss Institute of Bioinformatics and OMIM); NCBI Bookshelf NBK1197 (cited by GeneReviews).

NM_018965.4(TREM2):c.97C>T (p.Gln33Ter)

Gene: TREM2 (triggering receptor expressed on myeloid cells 2; minus strand). Cytogenetic location: 6p21.1.
Variant type: single nucleotide variant.
Coding change: c.97C>T on transcript NM_018965.4 (MANE Select); coding-DNA position 97, C replaced by T.
Protein change: p.Gln33Ter; replaces glutamine 33 with a stop codon.
Molecular consequence: nonsense.
Genome position (GRCh38, 1-based): chr6:41,161,557, G>A on the plus strand (C>T on the coding strand, the complement: TREM2 is on the minus strand). VCF-style: chr6-41161557-G-A. GRCh37 (hg19) VCF-style: chr6-41129295-G-A.
Other names: c.97C>T, p.Gln33Ter (NM_001271821.2); short protein forms Q33*.
Identifiers: ClinVar variation 5219 (VCV000005219.13), dbSNP rs104894002, ClinGen allele CA340368.